The following is an entry in ClinVar:

ClinVar aggregate classification (germline): Pathogenic (1 of 4 stars; one submission).

Conditions:
Medulloblastoma (MDB). Also called: Medulloblastoma, somatic; MEDULLOBLASTOMA PREDISPOSITION SYNDROME. Identifiers: Orphanet 616, MedGen C0025149, MeSH D008527, MONDO:0007959, OMIM 155255, HP:0002885.
Gorlin syndrome. Also called: Nevoid Basal Cell Carcinoma Syndrome; Basal cell nevus syndrome. Identifiers: Orphanet 377, MedGen C0004779, MONDO:0007187.

Submission:

Labcorp Genetics (formerly Invitae), Labcorp
Classification: Pathogenic for Gorlin syndrome; Medulloblastoma. Last evaluated: 2016-05-27. Review status: criteria provided, single submitter. Criteria: Invitae Variant Classification Sherloc (09022015). Collection method: clinical testing. Allele origin: germline.
Comment: This sequence change deletes 1 nucleotide from exon 3 of the SUFU mRNA (c.341delG), causing a frameshift at codon 114. This creates a premature translational stop signal (p.Ser114Metfs*7) and is expected to result in an absent or disrupted protein product. While this particular variant has not been reported in the literature, truncating variants in SUFU are known to be pathogenic (PMID: 22508808). For these reasons, this variant has been classified as Pathogenic.

Literature cited by the submitters: PubMed 22508808.

NM_016169.4(SUFU):c.341del (p.Ser114fs)

Gene: SUFU (SUFU negative regulator of hedgehog signaling; plus strand). Cytogenetic location: 10q24.32.
Variant type: Deletion.
Coding change: c.341del on transcript NM_016169.4 (MANE Select); coding-DNA position 341, one base deleted (G; older notation c.341delG).
Protein change: p.Ser114fs; shifts the reading frame from serine 114.
Molecular consequence: frameshift variant.
Genome position (GRCh38, 1-based): chr10:102,549,993, G deleted. VCF-style (leftmost placement, unchanged base first): chr10-102549992-AG-A. GRCh37 (hg19) VCF-style: chr10-104309749-AG-A.
Other names: c.341delG (NM_016169.3); c.341del, p.Ser114fs (NM_001178133.2); short protein forms S114fs.
Identifiers: ClinVar variation 406387 (VCV000406387.7), dbSNP rs1060501108, ClinGen allele CA16612919.